The following is an entry in ClinVar:

ClinVar aggregate classification (germline): Likely benign (1 of 4 stars; one submission).

Allele frequency attached by ClinVar (database versions not stated): TOPMed below 0.00001; gnomAD 0.00001; gnomAD exomes 0.00002.
gnomAD v4.1: 11 of 1,614,016 alleles (0.00068%); highest among the groups gnomAD compares: South Asian, 0.0088%; 1 homozygote.

Submission:

CeGaT Center for Human Genetics Tuebingen
Classification: Likely benign. Last evaluated: 2022-07-01. Review status: criteria provided, single submitter. Criteria: CeGaT Center For Human Genetics Tuebingen Variant Classification Criteria Version 2. Collection method: clinical testing. Allele origin: germline. Affected: yes. Observed: 1 variant allele.
Comment: SUPT6H: BP4, BP7

NM_003170.5(SUPT6H):c.546C>T (p.Asp182=)

Gene: SUPT6H (SPT6 homolog, histone chaperone and transcription elongation factor; plus strand). Cytogenetic location: 17q11.2.
Variant type: single nucleotide variant.
Coding change: c.546C>T on transcript NM_003170.5 (MANE Select); coding-DNA position 546, C replaced by T.
Protein change: p.Asp182=; no amino-acid change (aspartic acid 182 retained).
Molecular consequence: synonymous variant.
Genome position (GRCh38, 1-based): chr17:28,675,408, C>T. VCF-style: chr17-28675408-C-T. GRCh37 (hg19) VCF-style: chr17-27002426-C-T.
Other names: c.546C>T, p.Asp182= (NM_001320755.2).
Identifiers: ClinVar variation 2647597 (VCV002647597.24), dbSNP rs2030687027, ClinGen allele CA499406142.